The following is an entry in ClinVar:

ClinVar aggregate classification (germline): Uncertain significance. Review status: criteria provided, multiple submitters, no conflicts (2 of 4 stars). 2 submissions from 2 submitters: Uncertain significance (2). Last evaluated 2024-04-08.

Conditions:
Neonatal-onset encephalopathy with rigidity and seizures. Also called: Lethal neonatal spasticity-epileptic encephalopathy syndrome. Identifiers: Orphanet 435845, MedGen C3281029, MONDO:0013784, OMIM 614498.
Inborn genetic diseases. Identifiers: MedGen C0950123, MeSH D030342.

Allele frequency attached by ClinVar (database versions not stated): gnomAD 0.00001; TOPMed 0.00001; gnomAD exomes 0.00002 and 0.00005; ExAC 0.00007; 1000 Genomes Project 30x 0.00016; 1000 Genomes Project 0.00020.
gnomAD v4.1: 29 of 1,553,850 alleles (0.0019%); highest among the groups gnomAD compares: South Asian, 0.03%; no homozygotes.

Submissions (2):

Ambry Genetics
Classification: Uncertain significance for Inborn genetic diseases. Last evaluated: 2024-04-08. Review status: criteria provided, single submitter. Criteria: Ambry Variant Classification Scheme 2023. Collection method: clinical testing. Allele origin: germline.

Labcorp Genetics (formerly Invitae), Labcorp
Classification: Uncertain significance for Neonatal-onset encephalopathy with rigidity and seizures. Last evaluated: 2022-03-15. Review status: criteria provided, single submitter. Criteria: Invitae Variant Classification Sherloc (09022015). Collection method: clinical testing. Allele origin: germline.
Comment: This sequence change replaces proline, which is neutral and non-polar, with leucine, which is neutral and non-polar, at codon 460 of the BRAT1 protein (p.Pro460Leu). This variant is present in population databases (rs576018597, gnomAD 0.04%). This variant has not been reported in the literature in individuals affected with BRAT1-related conditions. Algorithms developed to predict the effect of missense changes on protein structure and function (SIFT, PolyPhen-2, Align-GVGD) all suggest that this variant is likely to be disruptive. In summary, the available evidence is currently insufficient to determine the role of this variant in disease. Therefore, it has been classified as a Variant of Uncertain Significance.

NM_152743.4(BRAT1):c.1379C>T (p.Pro460Leu)

Gene: BRAT1 (BRCA1 associated ATM activator 1; minus strand). Cytogenetic location: 7p22.3.
Variant type: single nucleotide variant.
Coding change: c.1379C>T on transcript NM_152743.4 (MANE Select); coding-DNA position 1379, C replaced by T.
Protein change: p.Pro460Leu; replaces proline 460 with leucine.
Molecular consequence: missense variant. On other transcripts: non-coding transcript variant (1).
Genome position (GRCh38, 1-based): chr7:2,540,995, G>A on the plus strand (C>T on the coding strand, the complement: BRAT1 is on the minus strand). VCF-style: chr7-2540995-G-A. GRCh37 (hg19) VCF-style: chr7-2580629-G-A.
Other names: c.1379C>T, p.Pro460Leu (NM_001350626.2); c.854C>T, p.Pro285Leu (NM_001350627.2); c.1379C>T (NM_152743.3); short protein forms P460L, P285L.
Identifiers: ClinVar variation 1379546 (VCV001379546.4), dbSNP rs576018597, ClinGen allele CA4127785.